The following is an entry in ClinVar:

ClinVar aggregate classification (germline): Likely benign (1 of 4 stars; one submission).

Allele frequency attached by ClinVar (database versions not stated): gnomAD exomes 0.00022 and 0.00050; gnomAD 0.00024 and 0.00026; ESP Exome Variant Server 0.00034; ExAC 0.00044; 1000 Genomes Project 0.00080; 1000 Genomes Project 30x 0.00094.
gnomAD v4.1: 379 of 1,606,018 alleles (0.024%); highest among the groups gnomAD compares: East Asian, 0.049%; no homozygotes.

Submission:

CeGaT Center for Human Genetics Tuebingen
Classification: Likely benign. Last evaluated: 2022-05-01. Review status: criteria provided, single submitter. Criteria: CeGaT Center For Human Genetics Tuebingen Variant Classification Criteria Version 2. Collection method: clinical testing. Allele origin: germline. Affected: yes. Observed: 1 variant allele.
Comment: TTC29: BP4

NM_031956.4(TTC29):c.-4C>T

Genes: TTC29 (tetratricopeptide repeat domain 29; minus strand), TTC29-AS1 (TTC29 antisense RNA 1; plus strand). Cytogenetic location: 4q31.22.
Variant type: single nucleotide variant.
Coding change: c.-4C>T on transcript NM_031956.4 (MANE Select); 4 bases upstream of the start codon, C replaced by T.
Molecular consequence: 5 prime UTR variant. On other transcripts: synonymous variant (1), non-coding transcript variant (1).
Genome position (GRCh38, 1-based): chr4:146,939,899, G>A on the plus strand (C>T on the coding strand, the complement: TTC29 is on the minus strand). VCF-style: chr4-146939899-G-A. GRCh37 (hg19) VCF-style: chr4-147861051-G-A.
Other names: c.75C>T, p.Ser25= (NM_001300761.4); c.-4C>T (NM_001317806.3).
Identifiers: ClinVar variation 1695111 (VCV001695111.31), dbSNP rs184542607, ClinGen allele CA3097778.
Genomic context (GRCh38, chr4:146,939,899, plus strand): 5'-TCTGGCTAAGGCTGTAAGCTTCGGGCGTGTCATGGGCAGTGGGGGCAGGGTGGTCATTTC[G>A]GACTACAAAAAGAAATAAGTAGAAATTGTATTTTAAGGAATAAATCTTTCAAAGGATCCT-3'